The following is an entry in ClinVar:

ClinVar aggregate classification (germline): Uncertain significance (1 of 4 stars; one submission).

Allele frequency attached by ClinVar (database versions not stated): gnomAD exomes below 0.00001; gnomAD 0.00001.
gnomAD v4.1: 2 of 1,613,446 alleles (0.00012%); highest among the groups gnomAD compares: East Asian, 0.0022%; no homozygotes.

Submission:

Labcorp Genetics (formerly Invitae), Labcorp
Classification: Uncertain significance. Last evaluated: 2022-12-22. Review status: criteria provided, single submitter. Criteria: Invitae Variant Classification Sherloc (09022015). Collection method: clinical testing. Allele origin: germline.
Comment: In summary, the available evidence is currently insufficient to determine the role of this variant in disease. Therefore, it has been classified as a Variant of Uncertain Significance. Advanced modeling of protein sequence and biophysical properties (such as structural, functional, and spatial information, amino acid conservation, physicochemical variation, residue mobility, and thermodynamic stability) has been performed at Invitae for this missense variant, however the output from this modeling did not meet the statistical confidence thresholds required to predict the impact of this variant on SAMD9 protein function. This variant has not been reported in the literature in individuals affected with SAMD9-related conditions. This variant is present in population databases (no rsID available, gnomAD 0.06%). This sequence change replaces tyrosine, which is neutral and polar, with histidine, which is basic and polar, at codon 1303 of the SAMD9 protein (p.Tyr1303His).

NM_017654.4(SAMD9):c.3907T>C (p.Tyr1303His)

Gene: SAMD9 (sterile alpha motif domain containing 9; minus strand). Cytogenetic location: 7q21.2.
Variant type: single nucleotide variant.
Coding change: c.3907T>C on transcript NM_017654.4 (MANE Select); coding-DNA position 3907, T replaced by C.
Protein change: p.Tyr1303His; replaces tyrosine 1303 with histidine.
Molecular consequence: missense variant.
Genome position (GRCh38, 1-based): chr7:93,102,191, A>G on the plus strand (T>C on the coding strand, the complement: SAMD9 is on the minus strand). VCF-style: chr7-93102191-A-G. GRCh37 (hg19) VCF-style: chr7-92731504-A-G.
Other names: c.3907T>C, p.Tyr1303His (NM_001193307.2); short protein forms Y1303H.
Identifiers: ClinVar variation 2814555 (VCV002814555.3), dbSNP rs1207677487, ClinGen allele CA368181858.
Genomic context (GRCh38, chr7:93,102,191, plus strand): 5'-ACTTTGATCCAAGACCTGTGTTGTTTTGTGATTCTTCTAAGAGACAAAATATATCTACAT[A>G]TTTCTTAAAATATCCAGCCACCTTTCTCCGAGTTTTGGCCTCTTCATTTTGCTTAATATT-3'
Protein context (NP_060124.2, residues 1293-1313): RRKVAGYFKK[Tyr1303His]VDIFCLLEES